The following is an entry in ClinVar:

NM_003072.5(SMARCA4):c.3081+1G>T

Gene: SMARCA4 (SWI/SNF related BAF chromatin remodeling complex subunit ATPase 4; plus strand). Cytogenetic location: 19p13.2.
Variant type: single nucleotide variant.
Coding change: c.3081+1G>T on transcript NM_003072.5 (MANE Select); the canonical splice donor site of the intron after coding-DNA position 3081, G replaced by T.
Molecular consequence: splice donor variant.
Genome position (GRCh38, 1-based): chr19:11,024,439, G>T. VCF-style: chr19-11024439-G-T. GRCh37 (hg19) VCF-style: chr19-11135115-G-T.
Other names: c.3081+1G>T (NM_001128844.3, NM_001128849.3, NM_001128847.4 and 6 more transcripts).
Identifiers: ClinVar variation 649675 (VCV000649675.7), dbSNP rs1600301361, ClinGen allele CA404059117.
Genomic context (GRCh38, chr19:11,024,439, plus strand): 5'-TACCGCCACATGCAGGCCAAGGGCGTGCTGCTGACTGATGGCTCCGAGAAGGACAAGAAG[G>T]TGGGCCCCAGAGTCCCCCAACTGCATTCCCCACTGGGTGTCCAAGGCCGGCAGCGTGGCA-3'

ClinVar aggregate classification (germline): Likely pathogenic (1 of 4 stars; one submission).

Conditions:
Rhabdoid tumor predisposition syndrome 2 (RTPS2). Identifiers: Orphanet 231108, Orphanet 69077, MedGen C2750074, MONDO:0013224, OMIM 613325.

Submission:

Labcorp Genetics (formerly Invitae), Labcorp
Classification: Likely pathogenic for Rhabdoid tumor predisposition syndrome 2. Last evaluated: 2018-08-31. Review status: criteria provided, single submitter. Criteria: Invitae Variant Classification Sherloc (09022015). Collection method: clinical testing. Allele origin: germline.
Comment: Donor and acceptor splice site variants typically lead to a loss of protein function (PMID: 16199547), and loss-of-function variants in SMARCA4 are known to be pathogenic (PMID: 24658001, 24658002). This sequence change affects a donor splice site in intron 21 of the SMARCA4 gene. It is expected to disrupt RNA splicing and likely results in an absent or disrupted protein product. This variant is not present in population databases (ExAC no frequency). This variant has not been reported in the literature in individuals with SMARCA4-related disease. In summary, the currently available evidence indicates that the variant is pathogenic, but additional data are needed to prove that conclusively. Therefore, this variant has been classified as Likely Pathogenic.

Literature cited by the submitters: PubMed 16199547; PubMed 24658001; PubMed 24658002.